The following is an entry in ClinVar:

ClinVar aggregate classification (germline): Benign/Likely benign. Review status: criteria provided, multiple submitters, no conflicts (2 of 4 stars). 4 submissions from 4 submitters: Benign (1); Likely benign (2). 1 of the submissions does not count toward it. Last evaluated 2026-09-01.

Conditions:
LAMA5-related disorder. Also called: LAMA5-Related Disorders; LAMA5-related condition.

Allele frequency attached by ClinVar (database versions not stated): 1000 Genomes Project 30x 0.00047; TOPMed 0.00114; gnomAD 0.00158; ExAC 0.00167; ESP Exome Variant Server 0.00201; gnomAD exomes 0.00208.
gnomAD v4.1: 3,214 of 1,602,818 alleles (0.2%); highest among the groups gnomAD compares: Non-Finnish European, 0.23%; 8 homozygotes.

Submissions (4):

CeGaT Center for Human Genetics Tuebingen
Classification: Likely benign. Last evaluated: 2026-09-01. Review status: criteria provided, single submitter. Criteria: CeGaT Center For Human Genetics Tuebingen Variant Classification Criteria Version 2. Collection method: clinical testing. Allele origin: germline. Affected: yes. Observed: 2 variant alleles.
Comment: LAMA5: BS2

Labcorp Genetics (formerly Invitae), Labcorp
Classification: Benign. Last evaluated: 2025-11-07. Review status: criteria provided, single submitter. Criteria: Invitae Variant Classification Sherloc (09022015). Collection method: clinical testing. Allele origin: germline.

Blueprint Genetics
Classification: Likely benign. Last evaluated: 2024-11-26. Review status: criteria provided, single submitter. Criteria: ACMG Guidelines, 2015. Collection method: clinical testing. Allele origin: germline.

PreventionGenetics, part of Exact Sciences
Classification: Likely benign for LAMA5-related condition. Last evaluated: 2019-09-19. Review status: no assertion criteria provided. Collection method: clinical testing. Allele origin: germline. Not counted in ClinVar's aggregate classification.
Comment: This variant is classified as likely benign based on ACMG/AMP sequence variant interpretation guidelines (Richards et al. 2015 PMID: 25741868, with internal and published modifications).

NM_005560.6(LAMA5):c.6413G>T (p.Ser2138Ile)

Gene: LAMA5 (laminin subunit alpha 5; minus strand). Cytogenetic location: 20q13.33.
Variant type: single nucleotide variant.
Coding change: c.6413G>T on transcript NM_005560.6 (MANE Select); coding-DNA position 6413, G replaced by T.
Protein change: p.Ser2138Ile; replaces serine 2138 with isoleucine.
Molecular consequence: missense variant.
Genome position (GRCh38, 1-based): chr20:62,322,102, C>A on the plus strand (G>T on the coding strand, the complement: LAMA5 is on the minus strand). VCF-style: chr20-62322102-C-A. GRCh37 (hg19) VCF-style: chr20-60897158-C-A.
Other names: c.6413G>T (NM_005560.4); short protein forms S2138I.
Identifiers: ClinVar variation 2043974 (VCV002043974.22), dbSNP rs143066016, ClinGen allele CA9941754.